The following is an entry in ClinVar:

NM_007194.4(CHEK2):c.507T>A (p.Phe169Leu)

Gene: CHEK2 (checkpoint kinase 2; minus strand). Cytogenetic location: 22q12.1.
Variant type: single nucleotide variant.
Coding change: c.507T>A on transcript NM_007194.4 (MANE Select); coding-DNA position 507, T replaced by A.
Protein change: p.Phe169Leu; replaces phenylalanine 169 with leucine.
Molecular consequence: missense variant. On other transcripts: 5 prime UTR variant (2), intron variant (1).
Genome position (GRCh38, 1-based): chr22:28,725,062, A>T on the plus strand (T>A on the coding strand, the complement: CHEK2 is on the minus strand). VCF-style: chr22-28725062-A-T. GRCh37 (hg19) VCF-style: chr22-29121050-A-T.
Other names: c.636T>A, p.Phe212Leu (NM_001005735.3, NM_001438294.1); c.-271T>A (NM_001257387.3); c.-157T>A (NM_001437942.1); c.600T>A, p.Phe200Leu (NM_001438293.1, NM_001438295.1); c.507T>A, p.Phe169Leu (NM_145862.3); c.445-139T>A (NM_001349956.3); short protein forms F212L, F169L, F200L.
Identifiers: ClinVar variation 2747258 (VCV002747258.3), dbSNP rs876659233, ClinGen allele CA411107417.
Genomic context (GRCh38, chr22:28,725,062, plus strand): 5'-AATTTCAGAATTGTTATTCAAAGGACGGCGTTTTCCTTTCCCTACAAGCTCTGTATTTAC[A>T]AAGGTTCCATTGCCACTGTGATCTTCTATGTATGCAATGTAAGAGTTTTTAGGACCCACT-3'
Protein context (NP_009125.1, residues 159-179): YIEDHSGNGT[Phe169Leu]VNTELVGKGK

ClinVar aggregate classification (germline): Uncertain significance (1 of 4 stars; one submission).

Conditions:
Familial cancer of breast. Also called: hereditary breast carcinoma; Hereditary breast cancer; BREAST CANCER, FAMILIAL. Identifiers: Orphanet 227535, MedGen C0346153, MONDO:0016419, OMIM 114480. Disease mechanism: loss of function.

Submission:

Labcorp Genetics (formerly Invitae), Labcorp
Classification: Uncertain significance for Familial cancer of breast. Last evaluated: 2023-07-26. Review status: criteria provided, single submitter. Criteria: Invitae Variant Classification Sherloc (09022015). Collection method: clinical testing. Allele origin: germline.
Comment: This missense change has been observed in individual(s) with CHEK2-related conditions (PMID: 34903604). In summary, the available evidence is currently insufficient to determine the role of this variant in disease. Therefore, it has been classified as a Variant of Uncertain Significance. Experimental studies have shown that this missense change affects CHEK2 function (PMID: 34903604). An algorithm developed to predict the effect of missense changes on protein structure and function (PolyPhen-2) suggests that this variant is likely to be disruptive. This variant is not present in population databases (gnomAD no frequency). This sequence change replaces phenylalanine, which is neutral and non-polar, with leucine, which is neutral and non-polar, at codon 169 of the CHEK2 protein (p.Phe169Leu).

Literature cited by the submitters: PubMed 34903604.